The following is an entry in ClinVar:

ClinVar aggregate classification (germline): Uncertain significance. Review status: criteria provided, multiple submitters, no conflicts (2 of 4 stars). 3 submissions from 3 submitters: Uncertain significance (3). Last evaluated 2024-05-14.

Conditions:
Aortic aneurysm, familial thoracic 4 (AAT4). Also called: AORTIC ANEURYSM/AORTIC DISSECTION AND PATENT DUCTUS ARTERIOSUS. Identifiers: MedGen C1851504, MONDO:0007568, OMIM 132900.
Familial thoracic aortic aneurysm and aortic dissection (TAAD). Also called: Thoracic aortic aneurysms and dissections. Identifiers: Orphanet 91387, MedGen C4707243, MONDO:0019625.

Allele frequency attached by ClinVar (database versions not stated): gnomAD exomes 0.00001.
gnomAD v4.1: 8 of 1,613,062 alleles (0.0005%); highest among the groups gnomAD compares: African/African-American, 0.0027%; no homozygotes.

Submissions (3):

All of Us Research Program, National Institutes of Health
Classification: Uncertain significance for Familial thoracic aortic aneurysm and aortic dissection. Last evaluated: 2024-05-14. Review status: criteria provided, single submitter. Criteria: ACMG Guidelines, 2015. Collection method: clinical testing. Allele origin: germline. Inheritance: Autosomal dominant inheritance. Observed: 1 variant allele, 1 heterozygote.
Comment: This variant causes a G to A nucleotide substitution at the +6 position of intron 32 of the MYH11 gene. To our knowledge, RNA studies have not been reported for this variant. This variant has not been reported in individuals affected with MYH11-related disorders in the literature. This variant has been identified in 2/251418 chromosomes in the general population by the Genome Aggregation Database (gnomAD). The available evidence is insufficient to determine the role of this variant in disease conclusively. Therefore, this variant is classified as a Variant of Uncertain Significance.

This study involves interpretation of variants in research participants for the purpose of population health screening. Participant phenotype was not available at the time of variant classification. Additional details can be found in publication PMID: 35346344, PMCID: PMC8962531

Color Diagnostics, LLC DBA Color Health
Classification: Uncertain significance for Familial thoracic aortic aneurysm and aortic dissection. Last evaluated: 2024-04-25. Review status: criteria provided, single submitter. Criteria: ACMG Guidelines, 2015. Collection method: clinical testing. Allele origin: germline.
Comment: This variant causes a G to A nucleotide substitution at the +6 position of intron 32 of the MYH11 gene. To our knowledge, RNA studies have not been reported for this variant. This variant has not been reported in individuals affected with MYH11-related disorders in the literature. This variant has been identified in 2/251418 chromosomes in the general population by the Genome Aggregation Database (gnomAD). The available evidence is insufficient to determine the role of this variant in disease conclusively. Therefore, this variant is classified as a Variant of Uncertain Significance.

Labcorp Genetics (formerly Invitae), Labcorp
Classification: Uncertain significance for Aortic aneurysm, familial thoracic 4. Last evaluated: 2023-12-07. Review status: criteria provided, single submitter. Criteria: Invitae Variant Classification Sherloc (09022015). Collection method: clinical testing. Allele origin: germline.
Comment: This sequence change falls in intron 32 of the MYH11 gene. It does not directly change the encoded amino acid sequence of the MYH11 protein. It affects a nucleotide within the consensus splice site. This variant is present in population databases (rs530881888, gnomAD 0.002%). This variant has not been reported in the literature in individuals affected with MYH11-related conditions. ClinVar contains an entry for this variant (Variation ID: 921540). Variants that disrupt the consensus splice site are a relatively common cause of aberrant splicing (PMID: 17576681, 9536098). Algorithms developed to predict the effect of sequence changes on RNA splicing suggest that this variant is not likely to affect RNA splicing. In summary, the available evidence is currently insufficient to determine the role of this variant in disease. Therefore, it has been classified as a Variant of Uncertain Significance.

Literature cited by the submitters: PubMed 17576681 (cited by Labcorp Genetics (formerly Invitae), Labcorp); PubMed 9536098 (cited by Labcorp Genetics (formerly Invitae), Labcorp).

NM_002474.3(MYH11):c.4365+6G>A

Genes: MYH11 (myosin heavy chain 11; minus strand), NDE1 (nudE neurodevelopment protein 1; plus strand). Cytogenetic location: 16p13.11.
Variant type: single nucleotide variant.
Coding change: c.4365+6G>A on transcript NM_002474.3 (MANE Select); 6 bases into the intron after coding-DNA position 4365, G replaced by A.
Molecular consequence: intron variant.
Genome position (GRCh38, 1-based): chr16:15,724,155, C>T on the plus strand (G>A on the coding strand, the complement: MYH11 is on the minus strand). VCF-style: chr16-15724155-C-T. GRCh37 (hg19) VCF-style: chr16-15818012-C-T.
Other names: c.948-36C>T (NM_001143979.2, NM_017668.3); c.4365+6G>A (NM_022844.3); c.4386+6G>A (NM_001040114.2, NM_001040113.2).
Identifiers: ClinVar variation 921540 (VCV000921540.7), dbSNP rs530881888, ClinGen allele CA278605621.
Genomic context (GRCh38, chr16:15,724,155, plus strand): 5'-CTCTGCAGAGCTGATTCCCCAACCCAGCGTCCATGGCCAGAGTGGGGGACACCCCACGCC[C>T]TCTACCTGATCAAATTTCCTCTGCTTCTTTTCCAGGTTGGACACGAGTTGCCGCTGGTTG-3'